The following is an entry in ClinVar:

NM_003839.4(TNFRSF11A):c.983C>T (p.Ser328Leu)

Gene: TNFRSF11A (TNF receptor superfamily member 11a; plus strand). Cytogenetic location: 18q21.33.
Variant type: single nucleotide variant.
Coding change: c.983C>T on transcript NM_003839.4 (MANE Select); coding-DNA position 983, C replaced by T.
Protein change: p.Ser328Leu; replaces serine 328 with leucine.
Molecular consequence: missense variant. On other transcripts: intron variant (3).
Genome position (GRCh38, 1-based): chr18:62,368,900, C>T. VCF-style: chr18-62368900-C-T. GRCh37 (hg19) VCF-style: chr18-60036133-C-T.
Other names: c.941C>T, p.Ser314Leu (NM_001278268.2); c.783+2140C>T (NM_001270949.2); c.730+7107C>T (NM_001270950.2); c.616+8851C>T (NM_001270951.2); short protein forms S314L, S328L.
Identifiers: ClinVar variation 1947208 (VCV001947208.5), dbSNP rs2511591762, ClinGen allele CA402616475.
Genomic context (GRCh38, chr18:62,368,900, plus strand): 5'-GTCAGGGCACATGTGTAGGAGGTGGTCCCTACGCACAAGGCGAAGATGCCAGGATGCTCT[C>T]ATTGGTCAGCAAGACCGAGATAGAGGAAGACAGCTTCAGACAGATGCCCACAGAAGATGA-3'
Protein context (NP_003830.1, residues 318-338): YAQGEDARML[Ser328Leu]LVSKTEIEED

ClinVar aggregate classification (germline): Uncertain significance (1 of 4 stars; one submission).

Submission:

Labcorp Genetics (formerly Invitae), Labcorp
Classification: Uncertain significance. Last evaluated: 2022-03-26. Review status: criteria provided, single submitter. Criteria: Invitae Variant Classification Sherloc (09022015). Collection method: clinical testing. Allele origin: germline.
Comment: In summary, the available evidence is currently insufficient to determine the role of this variant in disease. Therefore, it has been classified as a Variant of Uncertain Significance. Algorithms developed to predict the effect of missense changes on protein structure and function are either unavailable or do not agree on the potential impact of this missense change (SIFT: "Deleterious"; PolyPhen-2: "Benign"; Align-GVGD: "Class C0"). This variant has not been reported in the literature in individuals affected with TNFRSF11A-related conditions. This variant is not present in population databases (gnomAD no frequency). This sequence change replaces serine, which is neutral and polar, with leucine, which is neutral and non-polar, at codon 328 of the TNFRSF11A protein (p.Ser328Leu).